The following is an entry in ClinVar:

NM_000051.4(ATM):c.5719_5722del (p.Arg1907fs)

Gene: ATM (ATM serine/threonine kinase; plus strand). Cytogenetic location: 11q22.3.
Variant type: Deletion.
Coding change: c.5719_5722del on transcript NM_000051.4 (MANE Select); coding-DNA positions 5719 to 5722, 4 bases deleted (AGAA; older notation c.5719_5722delAGAA).
Protein change: p.Arg1907fs; shifts the reading frame from arginine 1907.
Molecular consequence: frameshift variant.
Genome position (GRCh38, 1-based): chr11:108,307,941-108,307,944, AGAA deleted; deleting any 4 consecutive bases within chr11:108,307,939-108,307,944 gives the same sequence; the c. name uses the placement nearest the transcript's 3' end. VCF-style (leftmost placement, unchanged base first): chr11-108307938-CAAAG-C. GRCh37 (hg19) VCF-style: chr11-108178665-CAAAG-C.
Other names: c.5719_5722del, p.Arg1907fs (NM_001351834.2); c.5719_5722delAGAA (NM_000051.3); short protein forms R1907fs.
Identifiers: ClinVar variation 825919 (VCV000825919.11), dbSNP rs1591732123, ClinGen allele CA915947637.

ClinVar aggregate classification (germline): Pathogenic. Review status: criteria provided, multiple submitters, no conflicts (2 of 4 stars). 4 submissions from 4 submitters: Pathogenic (4). Last evaluated 2024-11-05.

Conditions:
Familial cancer of breast. Also called: hereditary breast carcinoma; BREAST CANCER, FAMILIAL; Hereditary breast cancer. Identifiers: Orphanet 227535, MedGen C0346153, MONDO:0016419, OMIM 114480. Disease mechanism: loss of function.
Hereditary cancer-predisposing syndrome. Also called: Neoplastic Syndromes, Hereditary; Hereditary Cancer Syndrome; Hereditary neoplastic syndrome; Tumor predisposition. Identifiers: Orphanet 140162, MedGen C0027672, MeSH D009386, MONDO:0015356.
Ataxia-telangiectasia syndrome (AT). Also called: ATAXIA-TELANGIECTASIA, COMPLEMENTATION GROUP A; ATAXIA-TELANGIECTASIA, FRESNO VARIANT; Ataxia-telangiectasia, complementation group E; Ataxia telangiectasia (A-T); LOUIS-BAR SYNDROME; Cerebello-oculocutaneous telangiectasia. Identifiers: Orphanet 100, MedGen C0004135, MONDO:0008840, OMIM 208900.

Submissions (4):

Ambry Genetics
Classification: Pathogenic for Hereditary cancer-predisposing syndrome. Last evaluated: 2024-11-05. Review status: criteria provided, single submitter. Criteria: Ambry Variant Classification Scheme 2023. Collection method: clinical testing. Allele origin: germline.
Comment: The c.5719_5722delAGAA pathogenic mutation, located in coding exon 37 of the ATM gene, results from a deletion of 4 nucleotides at nucleotide positions 5719 to 5722, causing a translational frameshift with a predicted alternate stop codon (p.R1907Qfs*9). This variant is considered to be rare based on population cohorts in the Genome Aggregation Database (gnomAD). This alteration is expected to result in loss of function by premature protein truncation or nonsense-mediated mRNA decay. As such, this alteration is interpreted as a disease-causing mutation.

Labcorp Genetics (formerly Invitae), Labcorp
Classification: Pathogenic for Ataxia-telangiectasia syndrome. Last evaluated: 2023-12-20. Review status: criteria provided, single submitter. Criteria: Invitae Variant Classification Sherloc (09022015). Collection method: clinical testing. Allele origin: germline.
Comment: This sequence change creates a premature translational stop signal (p.Arg1907Glnfs*9) in the ATM gene. It is expected to result in an absent or disrupted protein product. Loss-of-function variants in ATM are known to be pathogenic (PMID: 23807571, 25614872). This variant is not present in population databases (gnomAD no frequency). This variant has not been reported in the literature in individuals affected with ATM-related conditions. ClinVar contains an entry for this variant (Variation ID: 825919). For these reasons, this variant has been classified as Pathogenic.

Myriad Genetics, Inc.
Classification: Pathogenic for Familial cancer of breast. Last evaluated: 2023-01-10. Review status: criteria provided, single submitter. Criteria: Myriad Autosomal Dominant, Autosomal Recessive and X-Linked Classification Criteria (2023). Collection method: clinical testing. Allele origin: unknown.
Comment: This variant is considered pathogenic. This variant creates a frameshift predicted to result in premature protein truncation.

Color Diagnostics, LLC DBA Color Health
Classification: Pathogenic for Hereditary cancer-predisposing syndrome. Last evaluated: 2021-01-19. Review status: criteria provided, single submitter. Criteria: ACMG Guidelines, 2015. Collection method: clinical testing. Allele origin: germline.
Comment: This variant deletes 4 nucleotides in exon 38 of the ATM gene, creating a frameshift and premature translation stop signal. This variant is expected to result in an absent or non-functional protein product. To our knowledge, this variant has not been reported in individuals affected with hereditary cancer in the literature. This variant has not been identified in the general population by the Genome Aggregation Database (gnomAD). Loss of ATM function is a known mechanism of disease. Based on the available evidence, this variant is classified as Pathogenic.

Literature cited by the submitters: PubMed 23807571 (cited by Labcorp Genetics (formerly Invitae), Labcorp); PubMed 25614872 (cited by Labcorp Genetics (formerly Invitae), Labcorp).